The following is an entry in ClinVar:

NM_032139.3(ANKRD27):c.2121C>T (p.Asp707=)

Gene: ANKRD27 (ankyrin repeat domain 27; minus strand). Cytogenetic location: 19q13.11.
Variant type: single nucleotide variant.
Coding change: c.2121C>T on transcript NM_032139.3 (MANE Select); coding-DNA position 2121, C replaced by T.
Protein change: p.Asp707=; no amino-acid change (aspartic acid 707 retained).
Molecular consequence: synonymous variant.
Genome position (GRCh38, 1-based): chr19:32,615,712, G>A on the plus strand (C>T on the coding strand, the complement: ANKRD27 is on the minus strand). VCF-style: chr19-32615712-G-A. GRCh37 (hg19) VCF-style: chr19-33106618-G-A.
Identifiers: ClinVar variation 2649683 (VCV002649683.24), dbSNP rs146025565, ClinGen allele CA9356579.

ClinVar aggregate classification (germline): Likely benign (1 of 4 stars; one submission).

gnomAD v4.1: 96 of 1,614,060 alleles (0.0059%); highest among the groups gnomAD compares: Middle Eastern, 0.016%; no homozygotes.

Submission:

CeGaT Center for Human Genetics Tuebingen
Classification: Likely benign. Last evaluated: 2022-08-01. Review status: criteria provided, single submitter. Criteria: CeGaT Center For Human Genetics Tuebingen Variant Classification Criteria Version 2. Collection method: clinical testing. Allele origin: germline. Affected: yes. Observed: 1 variant allele.
Comment: ANKRD27: BP4, BP7